The following is an entry in ClinVar:

NM_021815.5(SLC5A7):c.178+2T>C

Gene: SLC5A7 (solute carrier family 5 member 7; plus strand). Cytogenetic location: 2q12.3.
Variant type: single nucleotide variant.
Coding change: c.178+2T>C on transcript NM_021815.5 (MANE Select); the canonical splice donor site of the intron after coding-DNA position 178, T replaced by C.
Molecular consequence: splice donor variant. On other transcripts: intron variant (1).
Genome position (GRCh38, 1-based): chr2:107,988,335, T>C. VCF-style: chr2-107988335-T-C. GRCh37 (hg19) VCF-style: chr2-108604791-T-C.
Other names: c.-527+2T>C (NM_001305007.3); c.178+2T>C (NM_001305005.3); c.-138+1572T>C (NM_001305006.3).
Identifiers: ClinVar variation 2687476 (VCV002687476.2), dbSNP rs2467051596, ClinGen allele CA348020227.

ClinVar aggregate classification (germline): Likely pathogenic (0 of 4 stars; one submission).

Conditions:
Congenital myasthenic syndrome 20. Also called: Myasthenic syndrome, congenital, 20, presynaptic. Identifiers: MedGen C4310694, MONDO:0014939, OMIM 617143.

Submission:

Ricardo Maselli Laboratory, University of California Davis
Classification: Likely pathogenic for Congenital myasthenic syndrome 20. Last evaluated: 2024-01-16. Review status: no assertion criteria provided. Collection method: clinical testing. Allele origin: unknown. Inheritance: Autosomal recessive inheritance. Observed: 1 compound heterozygote.
Comment: Congenital Myasthenic Syndrome with episodic apneas.